The following is an entry in ClinVar:

ClinVar aggregate classification (germline): Likely benign (1 of 4 stars; one submission).

gnomAD v4.1: 127 of 1,594,702 alleles (0.008%); highest among the groups gnomAD compares: Admixed American, 0.05%; no homozygotes.

Submission:

CeGaT Center for Human Genetics Tuebingen
Classification: Likely benign. Last evaluated: 2026-02-01. Review status: criteria provided, single submitter. Criteria: CeGaT Center For Human Genetics Tuebingen Variant Classification Criteria Version 2. Collection method: clinical testing. Allele origin: germline. Affected: yes. Observed: 1 variant allele.
Comment: IMPA1: BP4, BP7

NM_005536.4(IMPA1):c.822C>T (p.Asp274=)

Gene: IMPA1 (inositol monophosphatase 1; minus strand). Cytogenetic location: 8q21.13.
Variant type: single nucleotide variant.
Coding change: c.822C>T on transcript NM_005536.4 (MANE Select); coding-DNA position 822, C replaced by T.
Protein change: p.Asp274=; no amino-acid change (aspartic acid 274 retained).
Molecular consequence: synonymous variant. On other transcripts: 3 prime UTR variant (1).
Genome position (GRCh38, 1-based): chr8:81,659,363, G>A on the plus strand (C>T on the coding strand, the complement: IMPA1 is on the minus strand). VCF-style: chr8-81659363-G-A. GRCh37 (hg19) VCF-style: chr8-82571598-G-A.
Other names: c.999C>T, p.Asp333= (NM_001144878.2); c.*116C>T (NM_001144879.2).
Identifiers: ClinVar variation 4821205 (VCV004821205.4).